The following is an entry in ClinVar:

ClinVar aggregate classification (germline): Uncertain significance (1 of 4 stars; one submission).

Conditions:
Charcot-Marie-Tooth disease axonal type 2P. Also called: CHARCOT-MARIE-TOOTH NEUROPATHY, TYPE 2P; Charcot-Marie-Tooth Neuropathy Type 2G; CHARCOT-MARIE-TOOTH DISEASE, AXONAL, TYPE 2G; CMT 2G. Identifiers: Orphanet 300319, Orphanet 99941, MedGen C3280797, MONDO:0013753, OMIM 614436.

Submission:

Labcorp Genetics (formerly Invitae), Labcorp
Classification: Uncertain significance for Charcot-Marie-Tooth disease axonal type 2P. Last evaluated: 2022-07-05. Review status: criteria provided, single submitter. Criteria: Invitae Variant Classification Sherloc (09022015). Collection method: clinical testing. Allele origin: germline.
Comment: This sequence change replaces serine, which is neutral and polar, with arginine, which is basic and polar, at codon 444 of the LRSAM1 protein (p.Ser444Arg). This variant is not present in population databases (gnomAD no frequency). This variant has not been reported in the literature in individuals affected with LRSAM1-related conditions. ClinVar contains an entry for this variant (Variation ID: 847772). Algorithms developed to predict the effect of missense changes on protein structure and function (SIFT, PolyPhen-2, Align-GVGD) all suggest that this variant is likely to be disruptive. In summary, the available evidence is currently insufficient to determine the role of this variant in disease. Therefore, it has been classified as a Variant of Uncertain Significance.

NM_001005373.4(LRSAM1):c.1332C>A (p.Ser444Arg)

Gene: LRSAM1 (leucine rich repeat and sterile alpha motif containing 1; plus strand). Cytogenetic location: 9q33.3.
Variant type: single nucleotide variant.
Coding change: c.1332C>A on transcript NM_001005373.4 (MANE Select); coding-DNA position 1332, C replaced by A.
Protein change: p.Ser444Arg; replaces serine 444 with arginine.
Molecular consequence: missense variant. On other transcripts: non-coding transcript variant (2).
Genome position (GRCh38, 1-based): chr9:127,487,748, C>A. VCF-style: chr9-127487748-C-A. GRCh37 (hg19) VCF-style: chr9-130250027-C-A.
Other names: c.1332C>A, p.Ser444Arg (NM_001005374.4, NM_001190723.3, NM_001384142.1 and 2 more transcripts); c.543C>A, p.Ser181Arg (NM_001384144.1); short protein forms S444R, S181R.
Identifiers: ClinVar variation 847772 (VCV000847772.9), dbSNP rs1299926632, ClinGen allele CA374932780.